The following is an entry in ClinVar:

ClinVar aggregate classification (germline): Likely benign (0 of 4 stars; one submission).

Conditions:
SKIC2-related disorder. Also called: SKIC2-related condition.

Allele frequency attached by ClinVar (database versions not stated): gnomAD exomes below 0.00001; ExAC 0.00001.
gnomAD v4.1: 1 of 1,613,998 alleles (0.000062%); highest among the groups gnomAD compares: South Asian, 0.0011%; no homozygotes.

Submission:

PreventionGenetics, part of Exact Sciences
Classification: Likely benign for SKIC2-related condition. Last evaluated: 2020-03-17. Review status: no assertion criteria provided. Collection method: clinical testing. Allele origin: germline.
Comment: This variant is classified as likely benign based on ACMG/AMP sequence variant interpretation guidelines (Richards et al. 2015 PMID: 25741868, with internal and published modifications).

NM_006929.5(SKIC2):c.3400-10T>C

Gene: SKIC2 (SKI2 subunit of superkiller complex; plus strand). Cytogenetic location: 6p21.33.
Variant type: single nucleotide variant.
Coding change: c.3400-10T>C on transcript NM_006929.5 (MANE Select); 10 bases into the intron before coding-DNA position 3400, T replaced by C.
Molecular consequence: intron variant.
Genome position (GRCh38, 1-based): chr6:31,969,270, T>C. VCF-style: chr6-31969270-T-C. GRCh37 (hg19) VCF-style: chr6-31937047-T-C.
Identifiers: ClinVar variation 3047629 (VCV003047629.2), dbSNP rs776082934, ClinGen allele CA3730051.